The following is an entry in ClinVar:

NC_000009.11:g.(?_130241728)_(130244069_?)del

Gene: LRSAM1 (leucine rich repeat and sterile alpha motif containing 1; plus strand). Cytogenetic location: 9q33.3.
Variant type: Deletion.
Identifiers: ClinVar variation 2427232 (VCV002427232.4).

ClinVar aggregate classification (germline): Likely pathogenic (1 of 4 stars; one submission).

Conditions:
Charcot-Marie-Tooth disease axonal type 2P. Also called: CHARCOT-MARIE-TOOTH NEUROPATHY, TYPE 2P; Charcot-Marie-Tooth Neuropathy Type 2G; CHARCOT-MARIE-TOOTH DISEASE, AXONAL, TYPE 2G; CMT 2G. Identifiers: Orphanet 300319, Orphanet 99941, MedGen C3280797, MONDO:0013753, OMIM 614436.

Submission:

Labcorp Genetics (formerly Invitae), Labcorp
Classification: Likely pathogenic for Charcot-Marie-Tooth disease axonal type 2P. Last evaluated: 2019-10-29. Review status: criteria provided, single submitter. Criteria: Invitae Variant Classification Sherloc (09022015). Collection method: clinical testing. Allele origin: germline.
Comment: For these reasons, this variant has been classified as Likely Pathogenic. Loss-of-function variants in LRSAM1 are known to be pathogenic (PMID: 20865121). This variant has not been reported in the literature in individuals with LRSAM1-related disease. ClinVar contains an entry for this variant (Variation ID: 650288). This variant is a gross deletion of the genomic region encompassing exons 13-14 and part of exon 12 (c.846_1088+563del) of the LRSAM1¬†gene. It is expected to disrupt RNA splicing and likely results in an absent or disrupted protein product.

Literature cited by the submitters: PubMed 20865121.